The following is an entry in ClinVar:

NM_001378964.1(CDON):c.2071G>T (p.Val691Leu)

Gene: CDON (cell adhesion associated, oncogene regulated; minus strand). Cytogenetic location: 11q24.2.
Variant type: single nucleotide variant.
Coding change: c.2071G>T on transcript NM_001378964.1 (MANE Select); coding-DNA position 2071, G replaced by T.
Protein change: p.Val691Leu; replaces valine 691 with leucine.
Molecular consequence: missense variant.
Genome position (GRCh38, 1-based): chr11:126,001,806, C>A on the plus strand (G>T on the coding strand, the complement: CDON is on the minus strand). VCF-style: chr11-126001806-C-A. GRCh37 (hg19) VCF-style: chr11-125871701-C-A.
Other names: c.2071G>T, p.Val691Leu (NM_001243597.3, NM_016952.6); short protein forms V691L.
Identifiers: ClinVar variation 1439174 (VCV001439174.9), dbSNP rs139323558, ClinGen allele CA6351845.

ClinVar aggregate classification (germline): Uncertain significance. Review status: criteria provided, multiple submitters, no conflicts (2 of 4 stars). 2 submissions from 2 submitters: Uncertain significance (2). Last evaluated 2025-03-26.

Conditions:
Inborn genetic diseases. Identifiers: MedGen C0950123, MeSH D030342.
Holoprosencephaly 11 (HPE11). Identifiers: Orphanet 2162, MedGen C3280215, MONDO:0013642, OMIM 614226.

gnomAD v4.1: 21 of 1,610,834 alleles (0.0013%); highest among the groups gnomAD compares: Admixed American, 0.0017%; no homozygotes.

Submissions (2):

Ambry Genetics
Classification: Uncertain significance for Inborn genetic diseases. Last evaluated: 2025-03-26. Review status: criteria provided, single submitter. Criteria: Ambry Variant Classification Scheme 2023. Collection method: clinical testing. Allele origin: germline.

Labcorp Genetics (formerly Invitae), Labcorp
Classification: Uncertain significance for Holoprosencephaly 11. Last evaluated: 2021-04-29. Review status: criteria provided, single submitter. Criteria: Invitae Variant Classification Sherloc (09022015). Collection method: clinical testing. Allele origin: germline.
Comment: This sequence change replaces valine with leucine at codon 691 of the CDON protein (p.Val691Leu). The valine residue is highly conserved and there is a small physicochemical difference between valine and leucine. In summary, the available evidence is currently insufficient to determine the role of this variant in disease. Therefore, it has been classified as a Variant of Uncertain Significance. Algorithms developed to predict the effect of missense changes on protein structure and function (SIFT, PolyPhen-2, Align-GVGD) all suggest that this variant is likely to be tolerated, but these predictions have not been confirmed by published functional studies and their clinical significance is uncertain. This variant has not been reported in the literature in individuals with CDON-related conditions. This variant is present in population databases (rs139323558, ExAC 0.003%).